The following is an entry in ClinVar:

NM_000548.5(TSC2):c.1767G>A (p.Met589Ile)

Gene: TSC2 (TSC complex subunit 2; plus strand). Cytogenetic location: 16p13.3.
Variant type: single nucleotide variant.
Coding change: c.1767G>A on transcript NM_000548.5 (MANE Select); coding-DNA position 1767, G replaced by A.
Protein change: p.Met589Ile; replaces methionine 589 with isoleucine.
Molecular consequence: missense variant.
Genome position (GRCh38, 1-based): chr16:2,070,506, G>A. VCF-style: chr16-2070506-G-A. GRCh37 (hg19) VCF-style: chr16-2120507-G-A.
Other names: c.1767G>A, p.Met589Ile (NM_001077183.3, NM_001114382.3, NM_021055.3 and 6 more transcripts); c.1857G>A, p.Met619Ile (NM_001406667.1, NM_001406668.1); c.1656G>A, p.Met552Ile (NM_001406670.1, NM_001406678.1, NM_001318827.2); c.1755G>A, p.Met585Ile (NM_001406671.1, NM_001406673.1); c.1620G>A, p.Met540Ile (NM_001406675.1, NM_001406676.1, NM_001318829.2 and 1 more transcripts); c.1710G>A, p.Met570Ile (NM_001406677.1); c.423G>A, p.Met141Ile (NM_001406689.1, NM_001406690.1, NM_001406691.1 and 6 more transcripts); c.165G>A, p.Met55Ile (NM_001406698.1); and 3 more; short protein forms M389I, M435I, M552I, M589I, M540I, M55I, M585I, M619I.
Identifiers: ClinVar variation 2062242 (VCV002062242.7), dbSNP rs1227923469, ClinGen allele CA394272880.
Genomic context (GRCh38, chr16:2,070,506, plus strand): 5'-CTCTCTGCAGACCAAGCTGTACACCCTGCCTGCAAGCCACGCCACGCGTGTGTATGAGAT[G>A]CTGGTCAGCCACATTCAGCTCCACTACAAGCACAGCTACACCCTGCCAATCGCGAGCAGC-3'
Protein context (NP_000539.2, residues 579-599): PASHATRVYE[Met589Ile]LVSHIQLHYK

ClinVar aggregate classification (germline): Conflicting classifications of pathogenicity. Review status: criteria provided, conflicting classifications (1 of 4 stars). 2 submissions from 2 submitters: Uncertain significance (1); Benign (1). Last evaluated 2025-08-18.

Conditions:
Tuberous sclerosis 2 (TSC2). Identifiers: Orphanet 805, MedGen C1860707, MONDO:0013199, OMIM 613254.
Hereditary cancer-predisposing syndrome. Also called: Tumor predisposition; Hereditary Cancer Syndrome; Hereditary neoplastic syndrome; Neoplastic Syndromes, Hereditary. Identifiers: Orphanet 140162, MedGen C0027672, MeSH D009386, MONDO:0015356.

Allele frequency attached by ClinVar (database versions not stated): gnomAD exomes below 0.00001.
gnomAD v4.1: 1 of 1,613,422 alleles (0.000062%); highest among the groups gnomAD compares: Non-Finnish European, 0.000085%; no homozygotes.

Submissions (2):

Labcorp Genetics (formerly Invitae), Labcorp
Classification: Benign for Tuberous sclerosis 2. Last evaluated: 2025-08-18. Review status: criteria provided, single submitter. Criteria: Invitae Variant Classification Sherloc (09022015). Collection method: clinical testing. Allele origin: germline.

Ambry Genetics
Classification: Uncertain significance for Hereditary cancer-predisposing syndrome. Last evaluated: 2025-03-27. Review status: criteria provided, single submitter. Criteria: Ambry Variant Classification Scheme 2023. Collection method: clinical testing. Allele origin: germline.
Comment: The p.M589I variant (also known as c.1767G>A), located in coding exon 16 of the TSC2 gene, results from a G to A substitution at nucleotide position 1767. The methionine at codon 589 is replaced by isoleucine, an amino acid with highly similar properties. This amino acid position is not well conserved in available vertebrate species. In addition, this alteration is predicted to be tolerated by in silico analysis. Based on the available evidence, the clinical significance of this variant remains unclear.